The following is an entry in ClinVar:

NM_001110556.2(FLNA):c.5965C>T (p.Pro1989Ser)

Gene: FLNA (filamin A; minus strand). Cytogenetic location: Xq28.
Variant type: single nucleotide variant.
Coding change: c.5965C>T on transcript NM_001110556.2 (MANE Select); coding-DNA position 5965, C replaced by T.
Protein change: p.Pro1989Ser; replaces proline 1989 with serine.
Molecular consequence: missense variant.
Genome position (GRCh38, 1-based): chrX:154,353,353, G>A on the plus strand (C>T on the coding strand, the complement: FLNA is on the minus strand). VCF-style: chrX-154353353-G-A. GRCh37 (hg19) VCF-style: chrX-153581721-G-A.
Other names: c.5941C>T (NM_001456.3); c.5941C>T, p.Pro1981Ser (NM_001456.4); short protein forms P1981S, P1989S.
Identifiers: ClinVar variation 981822 (VCV000981822.5), dbSNP rs1557176194, ClinGen allele CA415197441.

ClinVar aggregate classification (germline): Conflicting classifications of pathogenicity. Review status: criteria provided, conflicting classifications (1 of 4 stars). 3 submissions from 3 submitters: Uncertain significance (2); Benign (1). Last evaluated 2026-01-24.

Conditions:
Hereditary breast ovarian cancer syndrome. Also called: Hereditary breast and ovarian cancer; Hereditary breast and ovarian cancer syndrome; BRCA1- and BRCA2-Associated Hereditary Breast and Ovarian Cancer; Breast and ovarian cancer; Hereditary breast and ovarian cancer syndrome (HBOC); Hereditary breast and/or ovarian cancer syndrome. Identifiers: Orphanet 145, MedGen C0677776, MeSH D061325, MONDO:0003582. Disease mechanism: loss of function.
Familial thoracic aortic aneurysm and aortic dissection (TAAD). Also called: Thoracic aortic aneurysms and dissections. Identifiers: Orphanet 91387, MedGen C4707243, MONDO:0019625.
Heterotopia, periventricular, X-linked dominant (PVNH1). Also called: PERIVENTRICULAR NODULAR HETEROTOPIA 4; HETEROTOPIA, PERIVENTRICULAR, 1; PERIVENTRICULAR NODULAR HETEROTOPIA 1; X-linked periventricular heterotopia. Identifiers: Orphanet 2149, Orphanet 82004, MedGen C1848213, MONDO:0010233, OMIM 300049.
Oto-palato-digital syndrome, type II (OPD2). Also called: Otopalatodigital Syndrome, Type II; Otopalatodigital Syndrome Type 2 (FLNA-OPD2); FACIOPALATOOSSEOUS SYNDROME; OPD II SYNDROME. Identifiers: Orphanet 669, Orphanet 90652, MedGen C1844696, MONDO:0010571, OMIM 304120.
Melnick-Needles syndrome (MNS). Also called: Melnick-Needles Syndrome (FLNA-MNS); MELNICK-NEEDLES OSTEODYSPLASTY; OSTEODYSPLASTY OF MELNICK AND NEEDLES. Identifiers: Orphanet 2484, MedGen C0025237, MONDO:0010650, OMIM 309350.
Frontometaphyseal dysplasia (FMD1). Identifiers: Orphanet 1826, MedGen C0265293, MONDO:0015942.

Allele frequency attached by ClinVar (database versions not stated): gnomAD exomes below 0.00001 and 0.00001; TOPMed below 0.00001; gnomAD 0.00002.
gnomAD v4.1: 5 of 1,210,671 alleles (0.00041%); highest among the groups gnomAD compares: African/African-American, 0.007%; no homozygotes.

Submissions (3):

Ambry Genetics
Classification: Uncertain significance for Familial thoracic aortic aneurysm and aortic dissection. Last evaluated: 2026-01-24. Review status: criteria provided, single submitter. Criteria: Ambry Variant Classification Scheme 2023. Collection method: clinical testing. Allele origin: germline.
Comment: The p.P1981S variant (also known as c.5941C>T), located in coding exon 35 of the FLNA gene, results from a C to T substitution at nucleotide position 5941. The proline at codon 1981 is replaced by serine, an amino acid with similar properties. This amino acid position is conserved. In addition, this alteration is predicted to be tolerated by in silico analysis. Based on the available evidence, the clinical significance of this variant remains unclear.

Labcorp Genetics (formerly Invitae), Labcorp
Classification: Benign for Oto-palato-digital syndrome, type II; Heterotopia, periventricular, X-linked dominant; Frontometaphyseal dysplasia; Melnick-Needles syndrome. Last evaluated: 2026-01-01. Review status: criteria provided, single submitter. Criteria: Invitae Variant Classification Sherloc (09022015). Collection method: clinical testing. Allele origin: germline.

Molecular Oncology Research Center, Barretos Cancer Hospital
Classification: Uncertain significance for Hereditary breast ovarian cancer syndrome. Last evaluated: 2020-08-01. Review status: criteria provided, single submitter. Criteria: ACMG Guidelines, 2015. Collection method: research. Allele origin: germline. Affected: yes. Observed: 1 variant allele.